The following is an entry in ClinVar:

NM_014846.4(WASHC5):c.1037AAG[1] (p.Glu347del)

Gene: WASHC5 (WASH complex subunit 5; minus strand). Cytogenetic location: 8q24.13.
Variant type: Microsatellite.
Coding change: c.1037AAG[1] on transcript NM_014846.4 (MANE Select); one copy of the 3-base unit AAG starting at c.1037; the reference has two copies in a row; one copy, 3 bases deleted.
Protein change: p.Glu347del; deletes glutamic acid 347.
Molecular consequence: inframe deletion.
Genome position (GRCh38, 1-based): chr8:125,073,261-125,073,263, CTT deleted on the plus strand (AAG on the coding strand, the reverse complement: WASHC5 is on the minus strand); deleting any 3 consecutive bases within chr8:125,073,261-125,073,266 gives the same sequence; the position shown is the placement nearest the transcript's 3' end. VCF-style (leftmost placement, unchanged base first): chr8-125073260-CCTT-C. GRCh37 (hg19) VCF-style: chr8-126085502-CCTT-C.
Other names: c.593AAG[1], p.Glu199del (NM_001330609.2); short protein forms E199del, E347del.
Identifiers: ClinVar variation 1014639 (VCV001014639.6), dbSNP rs764020658, ClinGen allele CA4873946.
Genomic context (GRCh38, chr8:125,073,260, plus strand): 5'-TCTCTCAGGCAGTTCAGAAGCTTTGGGATATTGTCCAGAACCATCTCCTCCCTTAAATAA[CCTT>C]CTTTTAGAAATTGCTGCACTTGAGCATGCACTCTTTCACTGACAGTAGCATATCTGCTTG-3'

ClinVar aggregate classification (germline): Uncertain significance (1 of 4 stars; one submission).

Conditions:
Hereditary spastic paraplegia 8 (SPG8). Also called: SPASTIC PARAPLEGIA 8, AUTOSOMAL DOMINANT. Identifiers: Orphanet 100989, MedGen C1863704, MONDO:0011339, OMIM 603563.
Ritscher-Schinzel syndrome. Also called: CRANIOCEREBELLOCARDIAC DYSPLASIA. Identifiers: Orphanet 7, MedGen C0796137, MONDO:0019078.

Submission:

Labcorp Genetics (formerly Invitae), Labcorp
Classification: Uncertain significance for Ritscher-Schinzel syndrome; Hereditary spastic paraplegia 8. Last evaluated: 2020-09-25. Review status: criteria provided, single submitter. Criteria: Invitae Variant Classification Sherloc (09022015). Collection method: clinical testing. Allele origin: germline.
Comment: Algorithms developed to predict the effect of sequence changes on RNA splicing suggest that this variant may create or strengthen a splice site, but this prediction has not been confirmed by published transcriptional studies. In summary, the available evidence is currently insufficient to determine the role of this variant in disease. Therefore, it has been classified as a Variant of Uncertain Significance. This variant has not been reported in the literature in individuals with WASHC5-related conditions. This variant is present in population databases (rs764020658, ExAC 0.001%). This variant, c.1040_1042del, results in the deletion of 1 amino acid(s) of the WASHC5 protein (p.Glu347del), but otherwise preserves the integrity of the reading frame.